The following is an entry in ClinVar:

ClinVar aggregate classification (germline): Uncertain significance (1 of 4 stars; one submission).

Conditions:
Autosomal dominant limb-girdle muscular dystrophy type 1F (LGMDD2). Also called: Limb-girdle muscular dystrophy, type 1F; MUSCULAR DYSTROPHY, LIMB-GIRDLE, AUTOSOMAL DOMINANT 2. Identifiers: Orphanet 55595, MedGen C1842062, MONDO:0012034, OMIM 608423.

Submission:

Labcorp Genetics (formerly Invitae), Labcorp
Classification: Uncertain significance for Autosomal dominant limb-girdle muscular dystrophy type 1F. Last evaluated: 2023-02-06. Review status: criteria provided, single submitter. Criteria: Invitae Variant Classification Sherloc (09022015). Collection method: clinical testing. Allele origin: germline.
Comment: This sequence change replaces leucine, which is neutral and non-polar, with tryptophan, which is neutral and slightly polar, at codon 211 of the TNPO3 protein (p.Leu211Trp). Advanced modeling of protein sequence and biophysical properties (such as structural, functional, and spatial information, amino acid conservation, physicochemical variation, residue mobility, and thermodynamic stability) performed at Invitae indicates that this missense variant is not expected to disrupt TNPO3 protein function. This variant has not been reported in the literature in individuals affected with TNPO3-related conditions. This variant is not present in population databases (gnomAD no frequency). In summary, the available evidence is currently insufficient to determine the role of this variant in disease. Therefore, it has been classified as a Variant of Uncertain Significance.

NM_012470.4(TNPO3):c.632T>G (p.Leu211Trp)

Gene: TNPO3 (transportin 3; minus strand). Cytogenetic location: 7q32.1.
Variant type: single nucleotide variant.
Coding change: c.632T>G on transcript NM_012470.4 (MANE Select); coding-DNA position 632, T replaced by G.
Protein change: p.Leu211Trp; replaces leucine 211 with tryptophan.
Molecular consequence: missense variant. On other transcripts: non-coding transcript variant (18), intron variant (1).
Genome position (GRCh38, 1-based): chr7:129,005,080, A>C on the plus strand (T>G on the coding strand, the complement: TNPO3 is on the minus strand). VCF-style: chr7-129005080-A-C. GRCh37 (hg19) VCF-style: chr7-128645134-A-C.
Other names: c.632T>G, p.Leu211Trp (NM_001191028.3, NM_001382216.1, NM_001382218.1 and 4 more transcripts); c.713T>G, p.Leu238Trp (NM_001382217.1); c.553-3846T>G (NM_001382221.1); short protein forms L211W, L238W.
Identifiers: ClinVar variation 2815422 (VCV002815422.3), dbSNP rs2536299675, ClinGen allele CA369241759.